The following is an entry in ClinVar:

ClinVar aggregate classification (germline): Uncertain significance (1 of 4 stars; one submission).

Allele frequency attached by ClinVar (database versions not stated): gnomAD exomes below 0.00001.
gnomAD v4.1: 3 of 1,613,984 alleles (0.00019%); highest among the groups gnomAD compares: Non-Finnish European, 0.00025%; no homozygotes.

Submission:

GeneDx
Classification: Uncertain significance. Last evaluated: 2020-11-03. Review status: criteria provided, single submitter. Criteria: GeneDx Variant Classification Process June 2021. Collection method: clinical testing. Allele origin: germline. Affected: yes.
Comment: Not observed at a significant frequency in large population cohorts (Lek et al., 2016); In silico analysis supports that this missense variant has a deleterious effect on protein structure/function; Has not been previously published as pathogenic or benign to our knowledge

NM_004320.6(ATP2A1):c.2515G>A (p.Ala839Thr)

Gene: ATP2A1 (ATPase sarcoplasmic/endoplasmic reticulum Ca2+ transporting 1; plus strand). Cytogenetic location: 16p11.2.
Variant type: single nucleotide variant.
Coding change: c.2515G>A on transcript NM_004320.6 (MANE Select); coding-DNA position 2515, G replaced by A.
Protein change: p.Ala839Thr; replaces alanine 839 with threonine.
Molecular consequence: missense variant.
Genome position (GRCh38, 1-based): chr16:28,902,377, G>A. VCF-style: chr16-28902377-G-A. GRCh37 (hg19) VCF-style: chr16-28913698-G-A.
Other names: c.2140G>A, p.Ala714Thr (NM_001286075.2); c.2515G>A, p.Ala839Thr (NM_173201.5); short protein forms A714T, A839T.
Identifiers: ClinVar variation 1302357 (VCV001302357.2), dbSNP rs1237846976, ClinGen allele CA395414465.